The following is an entry in ClinVar:

NM_007348.4(ATF6):c.83-1G>T

Gene: ATF6 (activating transcription factor 6; plus strand). Cytogenetic location: 1q23.3.
Variant type: single nucleotide variant.
Coding change: c.83-1G>T on transcript NM_007348.4 (MANE Select); the canonical splice acceptor site of the intron before coding-DNA position 83, G replaced by T.
Molecular consequence: splice acceptor variant.
Genome position (GRCh38, 1-based): chr1:161,778,243, G>T. VCF-style: chr1-161778243-G-T. GRCh37 (hg19) VCF-style: chr1-161748033-G-T.
Other names: c.83-1G>T (NM_001410890.1).
Identifiers: ClinVar variation 2759000 (VCV002759000.3), dbSNP rs1684563533, ClinGen allele CA343383858.

ClinVar aggregate classification (germline): Likely pathogenic (1 of 4 stars; one submission).

Allele frequency attached by ClinVar (database versions not stated): gnomAD 0.00001.
gnomAD v4.1: 1 of 1,612,422 alleles (0.000062%); highest among the groups gnomAD compares: Non-Finnish European, 0.000085%; no homozygotes.

Submission:

Labcorp Genetics (formerly Invitae), Labcorp
Classification: Likely pathogenic. Last evaluated: 2023-09-08. Review status: criteria provided, single submitter. Criteria: Invitae Variant Classification Sherloc (09022015). Collection method: clinical testing. Allele origin: germline.
Comment: In summary, the currently available evidence indicates that the variant is pathogenic, but additional data are needed to prove that conclusively. Therefore, this variant has been classified as Likely Pathogenic. Algorithms developed to predict the effect of sequence changes on RNA splicing suggest that this variant may disrupt the consensus splice site. This variant has not been reported in the literature in individuals affected with ATF6-related conditions. This variant is not present in population databases (gnomAD no frequency). This sequence change affects an acceptor splice site in intron 1 of the ATF6 gene. It is expected to disrupt RNA splicing. Variants that disrupt the donor or acceptor splice site typically lead to a loss of protein function (PMID: 16199547), and loss-of-function variants in ATF6 are known to be pathogenic (PMID: 26029869, 26063662, 26070061).

Literature cited by the submitters: PubMed 16199547; PubMed 26029869; PubMed 26063662; PubMed 26070061.